The following is an entry in ClinVar:

ClinVar aggregate classification (germline): Uncertain significance (1 of 4 stars; one submission).

Conditions:
Ataxia-telangiectasia syndrome (AT). Also called: ATAXIA-TELANGIECTASIA, COMPLEMENTATION GROUP A; Ataxia telangiectasia (A-T); Cerebello-oculocutaneous telangiectasia; Immunodeficiency with ataxia telangiectasia; LOUIS-BAR SYNDROME; ATAXIA-TELANGIECTASIA, FRESNO VARIANT. Identifiers: Orphanet 100, MedGen C0004135, MONDO:0008840, OMIM 208900.

Submission:

Labcorp Genetics (formerly Invitae), Labcorp
Classification: Uncertain significance for Ataxia-telangiectasia syndrome. Last evaluated: 2022-12-25. Review status: criteria provided, single submitter. Criteria: Invitae Variant Classification Sherloc (09022015). Collection method: clinical testing. Allele origin: germline.
Comment: In summary, the available evidence is currently insufficient to determine the role of this variant in disease. Therefore, it has been classified as a Variant of Uncertain Significance. This sequence change replaces serine, which is neutral and polar, with proline, which is neutral and non-polar, at codon 1414 of the ATM protein (p.Ser1414Pro). This variant is not present in population databases (gnomAD no frequency). This variant has not been reported in the literature in individuals affected with ATM-related conditions. Algorithms developed to predict the effect of missense changes on protein structure and function (SIFT, PolyPhen-2, Align-GVGD) all suggest that this variant is likely to be disruptive.

NM_000051.4(ATM):c.4240T>C (p.Ser1414Pro)

Gene: ATM (ATM serine/threonine kinase; plus strand). Cytogenetic location: 11q22.3.
Variant type: single nucleotide variant.
Coding change: c.4240T>C on transcript NM_000051.4 (MANE Select); coding-DNA position 4240, T replaced by C.
Protein change: p.Ser1414Pro; replaces serine 1414 with proline.
Molecular consequence: missense variant.
Genome position (GRCh38, 1-based): chr11:108,289,605, T>C. VCF-style: chr11-108289605-T-C. GRCh37 (hg19) VCF-style: chr11-108160332-T-C.
Other names: c.4240T>C, p.Ser1414Pro (NM_001351834.2); short protein forms S1414P.
Identifiers: ClinVar variation 2823977 (VCV002823977.3), dbSNP rs2546908409, ClinGen allele CA382530962.